The following is an entry in ClinVar:

NM_018136.5(ASPM):c.3269C>T (p.Ser1090Phe)

Gene: ASPM (assembly factor for spindle microtubules; minus strand). Cytogenetic location: 1q31.3.
Variant type: single nucleotide variant.
Coding change: c.3269C>T on transcript NM_018136.5 (MANE Select); coding-DNA position 3269, C replaced by T.
Protein change: p.Ser1090Phe; replaces serine 1090 with phenylalanine.
Molecular consequence: missense variant.
Genome position (GRCh38, 1-based): chr1:197,124,231, G>A on the plus strand (C>T on the coding strand, the complement: ASPM is on the minus strand). VCF-style: chr1-197124231-G-A. GRCh37 (hg19) VCF-style: chr1-197093361-G-A.
Other names: p.S1090F:TCT>TTT; c.3269C>T, p.Ser1090Phe (NM_001206846.2); short protein forms S1090F.
Identifiers: ClinVar variation 21575 (VCV000021575.29), dbSNP rs16841081, ClinGen allele CA171196.

ClinVar aggregate classification (germline): Benign. Review status: criteria provided, multiple submitters, no conflicts (2 of 4 stars). 12 submissions from 12 submitters: Benign (9). 3 of the submissions do not count toward it. Last evaluated 2026-01-28.

Conditions:
Microcephaly 5, primary, autosomal recessive (MCPH5). Also called: ASPM Primary Microcephaly. Identifiers: Orphanet 2512, MedGen C1837501, MONDO:0012106, OMIM 608716.

Allele frequency attached by ClinVar (database versions not stated): ESP Exome Variant Server 0.04910; 1000 Genomes Project 30x 0.04919; gnomAD exomes 0.01086; ExAC 0.01350; gnomAD 0.04180 and 0.04499; 1000 Genomes Project 0.04473; TOPMed 0.04558.
gnomAD v4.1: 12,616 of 1,609,054 alleles (0.78%); highest among the groups gnomAD compares: African/African-American, 15%; 833 homozygotes.

Submissions (12):

Labcorp Genetics (formerly Invitae), Labcorp
Classification: Benign. Last evaluated: 2026-01-28. Review status: criteria provided, single submitter. Criteria: Invitae Variant Classification Sherloc (09022015). Collection method: clinical testing. Allele origin: germline.

Athena Diagnostics
Classification: Benign. Last evaluated: 2024-12-09. Review status: criteria provided, single submitter. Criteria: Athena Diagnostics Criteria. Collection method: clinical testing. Allele origin: unknown.
Comment: The frequency of this variant in the general population is higher than would generally be expected for pathogenic variants in this gene.

Genome-Nilou Lab
Classification: Benign for Microcephaly 5, primary, autosomal recessive. Last evaluated: 2023-04-11. Review status: criteria provided, single submitter. Criteria: ACMG Guidelines, 2015. Collection method: clinical testing. Allele origin: germline. Affected: no.

Fulgent Genetics
Classification: Benign for Microcephaly 5, primary, autosomal recessive. Last evaluated: 2022-04-13. Review status: criteria provided, single submitter. Criteria: ACMG Guidelines, 2015. Collection method: clinical testing. Allele origin: unknown.

Illumina Laboratory Services, Illumina
Classification: Benign for Microcephaly 5, primary, autosomal recessive. Last evaluated: 2018-01-12. Review status: criteria provided, single submitter. Criteria: ICSL Variant Classification Criteria 13 December 2019. Collection method: clinical testing. Allele origin: germline.
Comment: This variant was observed in the ICSL laboratory as part of a predisposition screen in an ostensibly healthy population. It had not been previously curated by ICSL or reported in the Human Gene Mutation Database (HGMD: prior to June 1st, 2018), and was therefore a candidate for classification through an automated scoring system. Utilizing variant allele frequency, disease prevalence and penetrance estimates, and inheritance mode, an automated score was calculated to assess if this variant is too frequent to cause the disease. Based on the score and internal cut-off values, a variant classified as benign is not then subjected to further curation. The score for this variant resulted in a classification of benign for this disease.

Eurofins Ntd Llc (ga)
Classification: Benign. Last evaluated: 2015-09-29. Review status: criteria provided, single submitter. Criteria: EGL Classification Definitions 2015. Collection method: clinical testing. Allele origin: germline. Observed: 1 variant allele, 1 homozygote.

GeneDx
Classification: Benign. Last evaluated: 2014-04-28. Review status: criteria provided, single submitter. Criteria: GeneDx Variant Classification (06012015). Collection method: clinical testing. Allele origin: germline. Affected: yes.
Comment: This variant is considered likely benign or benign based on one or more of the following criteria: it is a conservative change, it occurs at a poorly conserved position in the protein, it is predicted to be benign by multiple in silico algorithms, and/or has population frequency not consistent with disease.

Genetic Services Laboratory, University of Chicago
Classification: Benign. Last evaluated: 2013-02-08. Review status: criteria provided, single submitter. Criteria: ACMG Guidelines, 2007. Collection method: clinical testing. Allele origin: germline. Inheritance: Autosomal recessive inheritance.

Breakthrough Genomics
Classification: Benign. Review status: criteria provided, single submitter. Criteria: ACMG Guidelines, 2015. Collection method: not provided. Allele origin: germline. Inheritance: Autosomal recessive inheritance. Affected: yes.

Clinical Genetics DNA and cytogenetics Diagnostics Lab, Erasmus MC, Erasmus Medical Center
Classification: Benign. Review status: no assertion criteria provided. Collection method: clinical testing. Allele origin: germline. Affected: yes. Study: VKGL Data-share Consensus. Not counted in ClinVar's aggregate classification.

GeneReviews
No classification provided. Condition: Microcephaly 5, primary, autosomal recessive. Review status: no classification provided. Collection method: literature only. Allele origin: unknown. Not counted in ClinVar's aggregate classification.

Laboratory of Diagnostic Genome Analysis, Leiden University Medical Center (LUMC)
Classification: Likely benign. Review status: no assertion criteria provided. Collection method: clinical testing. Allele origin: germline. Affected: yes. Study: VKGL Data-share Consensus. Not counted in ClinVar's aggregate classification.

Literature cited by the submitters: PubMed 20301772 (cited by GeneReviews); NCBI Bookshelf NBK9587 (cited by GeneReviews).